The following is an entry in ClinVar:

NM_004006.3(DMD):c.355C>T (p.Gln119Ter)

Gene: DMD (dystrophin; minus strand). Cytogenetic location: Xp21.1.
Variant type: single nucleotide variant.
Coding change: c.355C>T on transcript NM_004006.3 (MANE Select); coding-DNA position 355, C replaced by T.
Protein change: p.Gln119Ter; replaces glutamine 119 with a stop codon.
Molecular consequence: nonsense. On other transcripts: 5 prime UTR variant (1).
Genome position (GRCh38, 1-based): chrX:32,823,297, G>A on the plus strand (C>T on the coding strand, the complement: DMD is on the minus strand). VCF-style: chrX-32823297-G-A. GRCh37 (hg19) VCF-style: chrX-32841414-G-A.
Other names: c.331C>T, p.Gln111Ter (NM_000109.4); c.343C>T, p.Gln115Ter (NM_004009.3); c.-15C>T (NM_004010.3); short protein forms Q119*, Q111*, Q115*.
Identifiers: ClinVar variation 217195 (VCV000217195.15), dbSNP rs863224995, ClinGen allele CA347503.

ClinVar aggregate classification (germline): Pathogenic. Review status: criteria provided, multiple submitters, no conflicts (2 of 4 stars). 5 submissions from 5 submitters: Pathogenic (5). Last evaluated 2023-08-25.

Conditions:
Duchenne muscular dystrophy (DMD). Also called: MUSCULAR DYSTROPHY, PSEUDOHYPERTROPHIC PROGRESSIVE, DUCHENNE TYPE; Duchenne Muscular Dystrophy (DMD). Identifiers: Orphanet 98896, MedGen C0013264, MONDO:0010679, OMIM 310200.

Submissions (5):

Labcorp Genetics (formerly Invitae), Labcorp
Classification: Pathogenic for Duchenne muscular dystrophy. Last evaluated: 2023-08-25. Review status: criteria provided, single submitter. Criteria: Invitae Variant Classification Sherloc (09022015). Collection method: clinical testing. Allele origin: germline.
Comment: This premature translational stop signal has been observed in individual(s) with DMD-related conditions (PMID: 12632325). For these reasons, this variant has been classified as Pathogenic. Algorithms developed to predict the effect of sequence changes on RNA splicing suggest that this variant may create or strengthen a splice site. ClinVar contains an entry for this variant (Variation ID: 217195). This variant is not present in population databases (gnomAD no frequency). This sequence change creates a premature translational stop signal (p.Gln119*) in the DMD gene. It is expected to result in an absent or disrupted protein product. Loss-of-function variants in DMD are known to be pathogenic (PMID: 16770791, 25007885).

3billion
Classification: Pathogenic for Duchenne muscular dystrophy. Last evaluated: 2022-09-01. Review status: criteria provided, single submitter. Criteria: ACMG Guidelines, 2015. Collection method: clinical testing. Allele origin: germline. Affected: yes. Observed: 1 hemizygote.
Comment: The variant is not observed in the gnomAD v2.1.1 dataset. Stop-gained (nonsense) is predicted to result in a loss or disruption of normal protein function through nonsense-mediated decay (NMD) or protein truncation. Multiple pathogenic variants are reported downstream of the variant. The variant has been reported at least twice as pathogenic with clinical assertions and evidence for the classification (ClinVar ID: VCV000217195 / PMID: 12632325). Therefore, this variant is classified as Pathogenic according to the recommendation of ACMG/AMP guideline.

GeneDx
Classification: Pathogenic. Last evaluated: 2018-12-18. Review status: criteria provided, single submitter. Criteria: GeneDx Variant Classification Process June 2021. Collection method: clinical testing. Allele origin: germline. Affected: yes.
Comment: Based on the understanding of this genetic alteration, it may be amenable to nonsense read-through therapy that is currently available or in clinical trial; This variant is associated with the following publications: (PMID: 28859693, 19937601, 20485447, 21515508, 18652600, 15643612, 19206170, 12632325, 25525159, 21972111)

Eurofins Ntd Llc (ga)
Classification: Pathogenic. Last evaluated: 2018-03-14. Review status: criteria provided, single submitter. Criteria: EGL ClinVar v180209 classification definitions. Collection method: clinical testing. Allele origin: germline. Observed: 1 variant allele, 1 heterozygote.

Athena Diagnostics
Classification: Pathogenic for Duchenne muscular dystrophy. Last evaluated: 2015-09-16. Review status: criteria provided, single submitter. Criteria: Athena Diagnostics Criteria. Collection method: clinical testing. Allele origin: germline. Inheritance: X-linked recessive inheritance.
Comment: X-linked recessive inheritance

Literature cited by the submitters: PubMed 12632325 (cited by 3 submitters); PubMed 16770791 (cited by Labcorp Genetics (formerly Invitae), Labcorp); PubMed 25007885 (cited by Labcorp Genetics (formerly Invitae), Labcorp); PubMed 21972111 (cited by Athena Diagnostics); PubMed 20485447 (cited by Athena Diagnostics); PubMed 19937601 (cited by Athena Diagnostics).